The following is an entry in ClinVar:

NM_000405.5(GM2A):c.178G>A (p.Val60Ile)

Gene: GM2A (ganglioside GM2 activator; plus strand). Cytogenetic location: 5q33.1.
Variant type: single nucleotide variant.
Coding change: c.178G>A on transcript NM_000405.5 (MANE Select); coding-DNA position 178, G replaced by A.
Protein change: p.Val60Ile; replaces valine 60 with isoleucine.
Molecular consequence: missense variant.
Genome position (GRCh38, 1-based): chr5:151,259,851, G>A. VCF-style: chr5-151259851-G-A. GRCh37 (hg19) VCF-style: chr5-150639412-G-A.
Other names: c.178G>A, p.Val60Ile (NM_001167607.3); short protein forms V60I.
Identifiers: ClinVar variation 1428207 (VCV001428207.5), dbSNP rs201829650, ClinGen allele CA3517886.

ClinVar aggregate classification (germline): Uncertain significance (1 of 4 stars; one submission).

Conditions:
Tay-Sachs disease, variant AB. Also called: Gm2-gangliosidosis, ab variant; GM2 Activator Deficiency. Identifiers: Orphanet 309246, MedGen C0268275, MONDO:0010099, OMIM 272750.

Allele frequency attached by ClinVar (database versions not stated): ESP Exome Variant Server 0.00008.
gnomAD v4.1: 37 of 1,613,400 alleles (0.0023%); highest among the groups gnomAD compares: African/African-American, 0.008%; no homozygotes.

Submission:

Labcorp Genetics (formerly Invitae), Labcorp
Classification: Uncertain significance for Tay-Sachs disease, variant AB. Last evaluated: 2021-08-31. Review status: criteria provided, single submitter. Criteria: Invitae Variant Classification Sherloc (09022015). Collection method: clinical testing. Allele origin: germline.
Comment: This sequence change replaces valine with isoleucine at codon 60 of the GM2A protein (p.Val60Ile). The valine residue is weakly conserved and there is a small physicochemical difference between valine and isoleucine. This variant is present in population databases (rs201829650, ExAC 0.01%). This variant has not been reported in the literature in individuals affected with GM2A-related conditions. Algorithms developed to predict the effect of missense changes on protein structure and function output the following: SIFT: "Tolerated"; PolyPhen-2: "Benign"; Align-GVGD: "Class C0". The isoleucine amino acid residue is found in multiple mammalian species, which suggests that this missense change does not adversely affect protein function. In summary, the available evidence is currently insufficient to determine the role of this variant in disease. Therefore, it has been classified as a Variant of Uncertain Significance.